The following is an entry in ClinVar:

NM_001367624.2(ZNF469):c.8869G>C (p.Gly2957Arg)

Gene: ZNF469 (zinc finger protein 469; plus strand). Cytogenetic location: 16q24.2.
Variant type: single nucleotide variant.
Coding change: c.8869G>C on transcript NM_001367624.2 (MANE Select); coding-DNA position 8869, G replaced by C.
Protein change: p.Gly2957Arg; replaces glycine 2957 with arginine.
Molecular consequence: missense variant.
Genome position (GRCh38, 1-based): chr16:88,436,339, G>C. VCF-style: chr16-88436339-G-C. GRCh37 (hg19) VCF-style: chr16-88502747-G-C.
Other names: NM_001127464.1:c.8785G>C; short protein forms G2957R.
Identifiers: ClinVar variation 3987303 (VCV003987303.1).

ClinVar aggregate classification (germline): Uncertain significance (1 of 4 stars; one submission).

Conditions:
Cardiovascular phenotype. Identifiers: MedGen CN230736.

gnomAD v4.1: 4 of 1,549,546 alleles (0.00026%); highest among the groups gnomAD compares: Non-Finnish European, 0.00017%; no homozygotes.

Submission:

Ambry Genetics
Classification: Uncertain significance for Cardiovascular phenotype. Last evaluated: 2025-03-25. Review status: criteria provided, single submitter. Criteria: Ambry Variant Classification Scheme 2023. Collection method: clinical testing. Allele origin: germline.
Comment: The p.G2929R variant (also known as c.8785G>C), located in coding exon 2 of the ZNF469 gene, results from a G to C substitution at nucleotide position 8785. The glycine at codon 2929 is replaced by arginine, an amino acid with dissimilar properties. This amino acid position is conserved. In addition, this alteration is predicted to be tolerated by in silico analysis. Based on the available evidence, the clinical significance of this variant remains unclear.